The following is an entry in ClinVar:

NM_001042492.3(NF1):c.7076T>A (p.Val2359Glu)

Gene: NF1 (neurofibromin 1; plus strand). Cytogenetic location: 17q11.2.
Variant type: single nucleotide variant.
Coding change: c.7076T>A on transcript NM_001042492.3 (MANE Select); coding-DNA position 7076, T replaced by A.
Protein change: p.Val2359Glu; replaces valine 2359 with glutamic acid.
Molecular consequence: missense variant.
Genome position (GRCh38, 1-based): chr17:31,343,022, T>A. VCF-style: chr17-31343022-T-A. GRCh37 (hg19) VCF-style: chr17-29670040-T-A.
Other names: c.7013T>A, p.Val2338Glu (NM_000267.4); short protein forms V2338E, V2359E.
Identifiers: ClinVar variation 3774494 (VCV003774494.1).
Genomic context (GRCh38, chr17:31,343,022, plus strand): 5'-AGCTACTGTGTGAACCTCATCAACCATCTCATGATTATCTTTAATAGAGTCCAGAGGAAG[T>A]ATTTATGGCAATCCGGAATCCTCTGGAGTGGCACTGCAAGCAAATGGATCATTTTGTTGG-3'
Protein context (NP_001035957.1, residues 2349-2369): RIFNDKSPEE[Val2359Glu]FMAIRNPLEW

ClinVar aggregate classification (germline): Uncertain significance (1 of 4 stars; one submission).

Conditions:
Neurofibromatosis, type 1 (NF1). Also called: Peripheral type neurofibromatosis; VON RECKLINGHAUSEN DISEASE; NEUROFIBROMATOSIS, TYPE I, SOMATIC; Neurofibromatosis, type I. Identifiers: Orphanet 636, MedGen C0027831, MONDO:0018975, OMIM 162200. Disease mechanism: loss of function.

Submission:

Clinical Genomics Laboratory, Washington University in St. Louis
Classification: Uncertain significance for Neurofibromatosis, type 1. Last evaluated: 2024-10-08. Review status: criteria provided, single submitter. Criteria: Leon-Quintero et al. (Clin Genet. 2025). Collection method: clinical testing. Allele origin: somatic.
Comment: An NF1 c.7076T>A (p.Val2359Glu) variant was identified at an allelic fraction consistent with somatic origin. This variant, to our knowledge has not been reported in the medical literature and is absent from the general population (gnomAD v.4.1.0), indicating it is not a common variant. Computational predictors are uncertain as to the impact of this variant on NF1 function. Due to limited information, and based on internally developed protocol informed by the ACMG/AMP guidelines for variant interpretation and gene-specific practices from the ClinGen Criteria Specification Registry (Leon-Quintero FZ et al., PMID: 39434542), the clinical significance of the NF1 c.7076T>A (p.Val2359Glu) variant is uncertain at this time.